The following is an entry in ClinVar:

NM_003072.5(SMARCA4):c.2497T>A (p.Ser833Thr)

Gene: SMARCA4 (SWI/SNF related BAF chromatin remodeling complex subunit ATPase 4; plus strand). Cytogenetic location: 19p13.2.
Variant type: single nucleotide variant.
Coding change: c.2497T>A on transcript NM_003072.5 (MANE Select); coding-DNA position 2497, T replaced by A.
Protein change: p.Ser833Thr; replaces serine 833 with threonine.
Molecular consequence: missense variant. On other transcripts: non-coding transcript variant (1).
Genome position (GRCh38, 1-based): chr19:11,019,015, T>A. VCF-style: chr19-11019015-T-A. GRCh37 (hg19) VCF-style: chr19-11129691-T-A.
Other names: c.2497T>A, p.Ser833Thr (NM_001128844.3, NM_001128845.2, NM_001128846.2 and 6 more transcripts); short protein forms S833T.
Identifiers: ClinVar variation 1878984 (VCV001878984.5), dbSNP rs2146361319, ClinGen allele CA404053738.

ClinVar aggregate classification (germline): Uncertain significance. Review status: criteria provided, multiple submitters, no conflicts (2 of 4 stars). 3 submissions from 3 submitters: Uncertain significance (3). Last evaluated 2024-05-26.

Conditions:
Hereditary cancer-predisposing syndrome. Also called: Neoplastic Syndromes, Hereditary; Hereditary neoplastic syndrome; Hereditary Cancer Syndrome; Tumor predisposition. Identifiers: Orphanet 140162, MedGen C0027672, MeSH D009386, MONDO:0015356.
Rhabdoid tumor predisposition syndrome 2 (RTPS2). Identifiers: Orphanet 231108, Orphanet 69077, MedGen C2750074, MONDO:0013224, OMIM 613325.

Submissions (3):

Ambry Genetics
Classification: Uncertain significance for Hereditary cancer-predisposing syndrome. Last evaluated: 2024-05-26. Review status: criteria provided, single submitter. Criteria: Ambry Variant Classification Scheme 2023. Collection method: clinical testing. Allele origin: germline.
Comment: The p.S833T variant (also known as c.2497T>A), located in coding exon 16 of the SMARCA4 gene, results from a T to A substitution at nucleotide position 2497. The serine at codon 833 is replaced by threonine, an amino acid with similar properties. This amino acid position is conserved. In addition, the in silico prediction for this alteration is inconclusive. Based on the available evidence, the clinical significance of this variant remains unclear.

Labcorp Genetics (formerly Invitae), Labcorp
Classification: Uncertain significance for Rhabdoid tumor predisposition syndrome 2. Last evaluated: 2023-09-05. Review status: criteria provided, single submitter. Criteria: Invitae Variant Classification Sherloc (09022015). Collection method: clinical testing. Allele origin: germline.
Comment: In summary, the available evidence is currently insufficient to determine the role of this variant in disease. Therefore, it has been classified as a Variant of Uncertain Significance. Advanced modeling of protein sequence and biophysical properties (such as structural, functional, and spatial information, amino acid conservation, physicochemical variation, residue mobility, and thermodynamic stability) has been performed at Invitae for this missense variant, however the output from this modeling did not meet the statistical confidence thresholds required to predict the impact of this variant on SMARCA4 protein function. ClinVar contains an entry for this variant (Variation ID: 1878984). This variant has not been reported in the literature in individuals affected with SMARCA4-related conditions. This variant is not present in population databases (gnomAD no frequency). This sequence change replaces serine, which is neutral and polar, with threonine, which is neutral and polar, at codon 833 of the SMARCA4 protein (p.Ser833Thr).

GeneDx
Classification: Uncertain significance. Last evaluated: 2023-01-10. Review status: criteria provided, single submitter. Criteria: GeneDx Variant Classification Process June 2021. Collection method: clinical testing. Allele origin: germline. Affected: yes.
Comment: Not observed at significant frequency in large population cohorts (gnomAD); In silico analysis supports that this missense variant does not alter protein structure/function; Has not been previously published as pathogenic or benign to our knowledge; This variant is associated with the following publications: (PMID: 24658002)